The following is an entry in ClinVar:

ClinVar aggregate classification (germline): Uncertain significance (1 of 4 stars; one submission).

Submission:

Ambry Genetics
Classification: Uncertain significance. Last evaluated: 2024-08-19. Review status: criteria provided, single submitter. Criteria: Ambry Variant Classification Scheme 2023. Collection method: clinical testing. Allele origin: germline.
Comment: The p.R1531P variant (also known as c.4592G>C), located in coding exon 40 of the KIF1B gene, results from a G to C substitution at nucleotide position 4592. The arginine at codon 1531 is replaced by proline, an amino acid with dissimilar properties. This amino acid position is conserved. In addition, this alteration is predicted to be deleterious by in silico analysis. Based on the available evidence, the clinical significance of this variant remains unclear.

NM_001365951.3(KIF1B):c.4730G>C (p.Arg1577Pro)

Gene: KIF1B (kinesin family member 1B; plus strand). Cytogenetic location: 1p36.22.
Variant type: single nucleotide variant.
Coding change: c.4730G>C on transcript NM_001365951.3 (MANE Select); coding-DNA position 4730, G replaced by C.
Protein change: p.Arg1577Pro; replaces arginine 1577 with proline.
Molecular consequence: missense variant.
Genome position (GRCh38, 1-based): chr1:10,365,626, G>C. VCF-style: chr1-10365626-G-C. GRCh37 (hg19) VCF-style: chr1-10425684-G-C.
Other names: c.4730G>C, p.Arg1577Pro (NM_001365952.1); c.4592G>C, p.Arg1531Pro (NM_015074.3); short protein forms R1531P, R1577P.
Identifiers: ClinVar variation 3533981 (VCV003533981.1).